The following is an entry in ClinVar:

ClinVar aggregate classification (germline): Uncertain significance. Review status: criteria provided, multiple submitters, no conflicts (2 of 4 stars). 2 submissions from 2 submitters: Uncertain significance (2). Last evaluated 2026-04-01.

Submissions (2):

CeGaT Center for Human Genetics Tuebingen
Classification: Uncertain significance. Last evaluated: 2026-04-01. Review status: criteria provided, single submitter. Criteria: CeGaT Center For Human Genetics Tuebingen Variant Classification Criteria Version 2. Collection method: clinical testing. Allele origin: germline. Affected: yes. Observed: 1 variant allele.
Comment: AMER1: PM2, BP4

GeneDx
Classification: Uncertain significance. Last evaluated: 2025-07-25. Review status: criteria provided, single submitter. Criteria: GeneDx Variant Classification Process June 2021. Collection method: clinical testing. Allele origin: germline. Affected: yes.
Comment: Not observed at significant frequency in large population cohorts (gnomAD); In silico analysis suggests that this missense variant does not alter protein structure/function; Has not been previously published as pathogenic or benign to our knowledge

NM_152424.4(AMER1):c.2356A>G (p.Met786Val)

Gene: AMER1 (APC membrane recruitment protein 1; minus strand). Cytogenetic location: Xq11.2.
Variant type: single nucleotide variant.
Coding change: c.2356A>G on transcript NM_152424.4 (MANE Select); coding-DNA position 2356, A replaced by G.
Protein change: p.Met786Val; replaces methionine 786 with valine.
Molecular consequence: missense variant.
Genome position (GRCh38, 1-based): chrX:64,190,931, T>C on the plus strand (A>G on the coding strand, the complement: AMER1 is on the minus strand). VCF-style: chrX-64190931-T-C. GRCh37 (hg19) VCF-style: chrX-63410811-T-C.
Other names: short protein forms M786V.
Identifiers: ClinVar variation 4687102 (VCV004687102.3).
Genomic context (GRCh38, chrX:64,190,931, plus strand): 5'-TGGGAGGCAGCTCAGGGAGGTTTTGAGTGAAAGATGAGTCAGAGTCAGAGCTGCAGGACA[T>C]GCTGGAAAAGAGGTTCCCATTGCTGGTGAACTCTACCAGGGCCTGTGAGAAACTCACAGT-3'
Protein context (NP_689637.3, residues 776-796): FTSNGNLFSS[Met786Val]SCSSDSDSSF